The following is an entry in ClinVar:

NM_000138.5(FBN1):c.6992_6997+6del

Gene: FBN1 (fibrillin 1; minus strand). Cytogenetic location: 15q21.1.
Variant type: Deletion.
Coding change: c.6992_6997+6del on transcript NM_000138.5 (MANE Select); coding-DNA position 6992 through 6 bases into the intron after coding-DNA position 6997, 12 bases deleted (GCCTTGGTGAGT).
Molecular consequence: splice donor variant.
Genome position (GRCh38, 1-based): chr15:48,428,340-48,428,351, ACTCACCAAGGC deleted on the plus strand (GCCTTGGTGAGT on the coding strand, the reverse complement: FBN1 is on the minus strand); deleting any 12 consecutive bases within chr15:48,428,340-48,428,355 gives the same sequence; the c. name uses the placement nearest the transcript's 3' end. VCF-style (leftmost placement, unchanged base first): chr15-48428339-TACTCACCAAGGC-T. GRCh37 (hg19) VCF-style: chr15-48720536-TACTCACCAAGGC-T.
Other names: c.6992_6997+6del (LRG_778t1, NM_001406716.1).
Identifiers: ClinVar variation 1325450 (VCV001325450.2), dbSNP rs2141229796, ClinGen allele CA2573150965.

ClinVar aggregate classification (germline): Likely pathogenic (1 of 4 stars; one submission).

Conditions:
Marfan syndrome (MFS). Also called: Marfan syndrome type 1; Marfan's syndrome; FBN1-Related Marfan Syndrome; MARFAN SYNDROME, TYPE I; Marfan syndrome, classic. Identifiers: Orphanet 284963, Orphanet 558, MedGen C0024796, MONDO:0007947, OMIM 154700.

Submission:

Centre of Medical Genetics, University of Antwerp
Classification: Likely pathogenic for Marfan syndrome. Last evaluated: 2021-03-01. Review status: criteria provided, single submitter. Criteria: Submitter's publication. Collection method: research. Allele origin: unknown. Affected: yes.
Comment: PM2, PS7, PP4